The following is an entry in ClinVar:

ClinVar aggregate classification (germline): Uncertain significance. Review status: criteria provided, single submitter (1 of 4 stars). 2 submissions from 2 submitters: Uncertain significance (1). 1 of the submissions does not count toward it. Last evaluated 2024-04-11.

Conditions:
Glucose-6-phosphate transport defect (GSD1B). Also called: Glycogen Storage Disease Type Ib; GSD Ib. Identifiers: Orphanet 364, Orphanet 79259, MedGen C0268146, MONDO:0009288, OMIM 232220.

Allele frequency attached by ClinVar (database versions not stated): TOPMed 0.00001.

Submissions (2):

Labcorp Genetics (formerly Invitae), Labcorp
Classification: Uncertain significance for Glucose-6-phosphate transport defect. Last evaluated: 2024-04-11. Review status: criteria provided, single submitter. Criteria: Invitae Variant Classification Sherloc (09022015). Collection method: clinical testing. Allele origin: germline.
Comment: This sequence change falls in intron 7 of the SLC37A4 gene. It does not directly change the encoded amino acid sequence of the SLC37A4 protein. It affects a nucleotide within the consensus splice site. The frequency data for this variant in the population databases is considered unreliable, as metrics indicate poor data quality at this position in the gnomAD database. This variant has not been reported in the literature in individuals affected with SLC37A4-related conditions. ClinVar contains an entry for this variant (Variation ID: 556378). Variants that disrupt the consensus splice site are a relatively common cause of aberrant splicing (PMID: 17576681, 9536098). Algorithms developed to predict the effect of sequence changes on RNA splicing suggest that this variant is not likely to affect RNA splicing. In summary, the available evidence is currently insufficient to determine the role of this variant in disease. Therefore, it has been classified as a Variant of Uncertain Significance.

Counsyl
Classification: Uncertain significance for Glucose-6-phosphate transport defect. Last evaluated: 2018-01-30. Review status: no assertion criteria provided. Collection method: clinical testing. Allele origin: unknown. Not counted in ClinVar's aggregate classification.

Literature cited by the submitters: PubMed 17576681 (cited by Labcorp Genetics (formerly Invitae), Labcorp); PubMed 9536098 (cited by Labcorp Genetics (formerly Invitae), Labcorp).

NM_001164277.2(SLC37A4):c.871+6C>G

Gene: SLC37A4 (solute carrier family 37 member 4; minus strand). Cytogenetic location: 11q23.3.
Variant type: single nucleotide variant.
Coding change: c.871+6C>G on transcript NM_001164277.2 (MANE Select); 6 bases into the intron after coding-DNA position 871, C replaced by G.
Molecular consequence: intron variant.
Genome position (GRCh38, 1-based): chr11:119,026,597, G>C on the plus strand (C>G on the coding strand, the complement: SLC37A4 is on the minus strand). VCF-style: chr11-119026597-G-C. GRCh37 (hg19) VCF-style: chr11-118897307-G-C.
Other names: c.652+6C>G (NM_001164279.2); c.871+6C>G (NM_001467.6, NM_001164278.2, NM_001164280.2).
Identifiers: ClinVar variation 556378 (VCV000556378.3), dbSNP rs377101167, ClinGen allele CA6311713.
Genomic context (GRCh38, chr11:119,026,597, plus strand): 5'-CTGTCCCAGCCACGCCGTGAAGACTGAAAGGGACCCTTCTCCTTCCTGTCCCTTCTGCCC[G>C]CTCACCTTTGCCATGGCCCGGTCTGACAGGTAGCCAGCTGCGATGCTGCCTACAAGGCCC-3'